The following is an entry in ClinVar:

ClinVar aggregate classification (germline): Uncertain significance. Review status: criteria provided, multiple submitters, no conflicts (2 of 4 stars). 3 submissions from 3 submitters: Uncertain significance (3). Last evaluated 2025-07-03.

Allele frequency attached by ClinVar (database versions not stated): gnomAD exomes 0.00003 and 0.00005; gnomAD 0.00004 and 0.00005; TOPMed 0.00006; ExAC 0.00010.
gnomAD v4.1: 50 of 1,590,224 alleles (0.0031%); highest among the groups gnomAD compares: Middle Eastern, 0.017%; no homozygotes.

Submissions (3):

Ambry Genetics
Classification: Uncertain significance. Last evaluated: 2025-07-03. Review status: criteria provided, single submitter. Criteria: Ambry Variant Classification Scheme 2023. Collection method: clinical testing. Allele origin: germline.

Blueprint Genetics
Classification: Uncertain significance. Last evaluated: 2024-10-30. Review status: criteria provided, single submitter. Criteria: ACMG Guidelines, 2015. Collection method: clinical testing. Allele origin: germline.

Labcorp Genetics (formerly Invitae), Labcorp
Classification: Uncertain significance. Last evaluated: 2022-02-06. Review status: criteria provided, single submitter. Criteria: Invitae Variant Classification Sherloc (09022015). Collection method: clinical testing. Allele origin: germline.
Comment: This sequence change replaces serine, which is neutral and polar, with alanine, which is neutral and non-polar, at codon 84 of the CFD protein (p.Ser84Ala). This variant is present in population databases (rs774965040, gnomAD 0.01%). This variant has not been reported in the literature in individuals affected with CFD-related conditions. Algorithms developed to predict the effect of missense changes on protein structure and function are either unavailable or do not agree on the potential impact of this missense change (SIFT: "Not Available"; PolyPhen-2: "Possibly Damaging"; Align-GVGD: "Not Available"). In summary, the available evidence is currently insufficient to determine the role of this variant in disease. Therefore, it has been classified as a Variant of Uncertain Significance.

NM_001928.4(CFD):c.250T>G (p.Ser84Ala)

Gene: CFD (complement factor D; plus strand). Cytogenetic location: 19p13.3.
Variant type: single nucleotide variant.
Coding change: c.250T>G on transcript NM_001928.4 (MANE Select); coding-DNA position 250, T replaced by G.
Protein change: p.Ser84Ala; replaces serine 84 with alanine.
Molecular consequence: missense variant.
Genome position (GRCh38, 1-based): chr19:860,898, T>G. VCF-style: chr19-860898-T-G. GRCh37 (hg19) VCF-style: chr19-860898-T-G.
Other names: c.271T>G, p.Ser91Ala (NM_001317335.2); c.250T>G (NM_001928.2); short protein forms S84A, S91A.
Identifiers: ClinVar variation 1400104 (VCV001400104.5), dbSNP rs774965040, ClinGen allele CA9026275.